The following is an entry in ClinVar:

NM_144585.4(SLC22A12):c.831-4T>C

Gene: SLC22A12 (solute carrier family 22 member 12; plus strand). Cytogenetic location: 11q13.1.
Variant type: single nucleotide variant.
Coding change: c.831-4T>C on transcript NM_144585.4 (MANE Select); 4 bases into the intron before coding-DNA position 831, T replaced by C.
Molecular consequence: intron variant.
Genome position (GRCh38, 1-based): chr11:64,598,512, T>C. VCF-style: chr11-64598512-T-C. GRCh37 (hg19) VCF-style: chr11-64365984-T-C.
Other names: c.729-4T>C (NM_001276326.2); c.507-4T>C (NM_001276327.2); c.168-4T>C (NM_153378.3).
Identifiers: ClinVar variation 305237 (VCV000305237.17), dbSNP rs116679934, ClinGen allele CA6077210.

ClinVar aggregate classification (germline): Benign/Likely benign. Review status: criteria provided, multiple submitters, no conflicts (2 of 4 stars). 4 submissions from 4 submitters: Benign (2); Likely benign (2). Last evaluated 2025-12-04.

Conditions:
SLC22A12-related disorder. Also called: SLC22A12-related condition.
Dalmatian hypouricemia (RHUC1). Identifiers: MedGen C0473219, MONDO:0020728, OMIM 220150.

Allele frequency attached by ClinVar (database versions not stated): gnomAD exomes 0.00088 and 0.00224; gnomAD 0.00567 and 0.00606; ExAC 0.00596; TOPMed 0.00633; 1000 Genomes Project 0.00639; 1000 Genomes Project 30x 0.00687; ESP Exome Variant Server 0.00687.

Submissions (4):

Labcorp Genetics (formerly Invitae), Labcorp
Classification: Benign. Last evaluated: 2025-12-04. Review status: criteria provided, single submitter. Criteria: Invitae Variant Classification Sherloc (09022015). Collection method: clinical testing. Allele origin: germline.

PreventionGenetics, part of Exact Sciences
Classification: Benign for SLC22A12-related condition. Last evaluated: 2024-11-14. Review status: criteria provided, single submitter. Criteria: ACMG Guidelines, 2015. Collection method: clinical testing. Allele origin: germline.
Comment: This variant is classified as benign based on ACMG/AMP sequence variant interpretation guidelines (Richards et al. 2015 PMID: 25741868, with internal and published modifications).

Blueprint Genetics
Classification: Likely benign. Last evaluated: 2024-11-06. Review status: criteria provided, single submitter. Criteria: ACMG Guidelines, 2015. Collection method: clinical testing. Allele origin: germline.

Illumina Laboratory Services, Illumina
Classification: Likely benign for Dalmatian hypouricemia. Last evaluated: 2017-04-27. Review status: criteria provided, single submitter. Criteria: ICSL Variant Classification Criteria 13 December 2019. Collection method: clinical testing. Allele origin: germline.
Comment: This variant was observed as part of a predisposition screen in an ostensibly healthy population. A literature search was performed for the gene, cDNA change, and amino acid change (where applicable). No publications were found based on this search. Allele frequency data from public databases allowed determination this variant is unlikely to cause disease. Therefore, this variant is classified as likely benign.